The following is an entry in ClinVar:

NM_005343.4(HRAS):c.362C>A (p.Ala121Asp)

Genes: LRRC56 (leucine rich repeat containing 56; plus strand), HRAS (HRas proto-oncogene, GTPase; minus strand). Cytogenetic location: 11p15.5.
Variant type: single nucleotide variant.
Coding change: c.362C>A on transcript NM_005343.4 (MANE Select); coding-DNA position 362, C replaced by A.
Protein change: p.Ala121Asp; replaces alanine 121 with aspartic acid.
Molecular consequence: missense variant.
Genome position (GRCh38, 1-based): chr11:533,541, G>T on the plus strand (C>A on the coding strand, the complement: HRAS is on the minus strand). VCF-style: chr11-533541-G-T. GRCh37 (hg19) VCF-style: chr11-533541-G-T.
Other names: c.362C>A, p.Ala121Asp (NM_176795.5, NM_001130442.3); c.43C>A, p.Leu15Met (NM_001318054.2); short protein forms L15M, A121D.
Identifiers: ClinVar variation 1523512 (VCV001523512.6), dbSNP rs376667492, ClinGen allele CA216882706.
Genomic context (GRCh38, chr11:533,541, plus strand): 5'-TAGGGGATGCCGTAGCTTCGGGCGAGGTCCTGAGCCTGCCGAGATTCCACAGTGCGTGCA[G>T]CCAGGTCACACTTGTTCCCCACCAGCACCATGGGCACGTCATCCGAGTCCTTCACCCGTT-3'
Protein context (NP_005334.1, residues 111-131): MVLVGNKCDL[Ala121Asp]ARTVESRQAQ

ClinVar aggregate classification (germline): Uncertain significance (1 of 4 stars; one submission).

Conditions:
Costello syndrome (CSTLO). Also called: FACIOCUTANEOSKELETAL SYNDROME; HRAS-Related Costello Syndrome; FCS SYNDROME. Identifiers: Orphanet 3071, MedGen C0587248, MONDO:0009026, OMIM 218040.

Allele frequency attached by ClinVar (database versions not stated): ESP Exome Variant Server 0.00008; TOPMed 0.00001.
gnomAD v4.1: 1 of 1,613,766 alleles (0.000062%); highest among the groups gnomAD compares: Non-Finnish European, 0.000085%; no homozygotes.

Submission:

Labcorp Genetics (formerly Invitae), Labcorp
Classification: Uncertain significance for Costello syndrome. Last evaluated: 2021-09-30. Review status: criteria provided, single submitter. Criteria: Invitae Variant Classification Sherloc (09022015). Collection method: clinical testing. Allele origin: germline.
Comment: This sequence change replaces alanine with aspartic acid at codon 121 of the HRAS protein (p.Ala121Asp). The alanine residue is weakly conserved and there is a moderate physicochemical difference between alanine and aspartic acid. This variant is not present in population databases (ExAC no frequency). This variant has not been reported in the literature in individuals affected with HRAS-related conditions. Advanced modeling of protein sequence and biophysical properties (such as structural, functional, and spatial information, amino acid conservation, physicochemical variation, residue mobility, and thermodynamic stability) performed at Invitae indicates that this missense variant is not expected to disrupt HRAS protein function. In summary, the available evidence is currently insufficient to determine the role of this variant in disease. Therefore, it has been classified as a Variant of Uncertain Significance.